The following is an entry in ClinVar:

NM_005876.5(SPEG):c.4321C>T (p.Gln1441Ter)

Gene: SPEG (striated muscle enriched protein kinase; plus strand). Cytogenetic location: 2q35.
Variant type: single nucleotide variant.
Coding change: c.4321C>T on transcript NM_005876.5 (MANE Select); coding-DNA position 4321, C replaced by T.
Protein change: p.Gln1441Ter; replaces glutamine 1441 with a stop codon.
Molecular consequence: nonsense.
Genome position (GRCh38, 1-based): chr2:219,473,777, C>T. VCF-style: chr2-219473777-C-T. GRCh37 (hg19) VCF-style: chr2-220338499-C-T.
Other names: short protein forms Q1441*.
Identifiers: ClinVar variation 3662180 (VCV003662180.2).

ClinVar aggregate classification (germline): Pathogenic (1 of 4 stars; one submission).

Submission:

Labcorp Genetics (formerly Invitae), Labcorp
Classification: Pathogenic. Last evaluated: 2024-08-13. Review status: criteria provided, single submitter. Criteria: Invitae Variant Classification Sherloc (09022015). Collection method: clinical testing. Allele origin: germline.
Comment: This sequence change creates a premature translational stop signal (p.Gln1441*) in the SPEG gene. It is expected to result in an absent or disrupted protein product. Loss-of-function variants in SPEG are known to be pathogenic (PMID: 19118250, 25087613). This variant is not present in population databases (gnomAD no frequency). This variant has not been reported in the literature in individuals affected with SPEG-related conditions. For these reasons, this variant has been classified as Pathogenic.

Literature cited by the submitters: PubMed 19118250; PubMed 25087613.